The following is an entry in ClinVar:

NM_000297.4(PKD2):c.2419C>T (p.Arg807Ter)

Gene: PKD2 (polycystin 2, transient receptor potential cation channel; plus strand). Cytogenetic location: 4q22.1.
Variant type: single nucleotide variant.
Coding change: c.2419C>T on transcript NM_000297.4 (MANE Select); coding-DNA position 2419, C replaced by T.
Protein change: p.Arg807Ter; replaces arginine 807 with a stop codon.
Molecular consequence: nonsense. On other transcripts: non-coding transcript variant (1).
Genome position (GRCh38, 1-based): chr4:88,067,958, C>T. VCF-style: chr4-88067958-C-T. GRCh37 (hg19) VCF-style: chr4-88989110-C-T.
Other names: c.2419C>T (NM_000297.3); short protein forms R807*.
Identifiers: ClinVar variation 805200 (VCV000805200.15), dbSNP rs1276594505, ClinGen allele CA357626736.

ClinVar aggregate classification (germline): Pathogenic. Review status: criteria provided, multiple submitters, no conflicts (2 of 4 stars). 11 submissions from 11 submitters: Pathogenic (11). Last evaluated 2026-01-26.

Conditions:
PKD2-related disorder. Also called: PKD2-related condition.
Inborn genetic diseases. Identifiers: MedGen C0950123, MeSH D030342.
Autosomal dominant polycystic kidney disease. Identifiers: Orphanet 730, MedGen C0085413, MONDO:0004691.
Polycystic kidney disease 2 (PKD2). Also called: Polycystic Kidney Disease 2, Autosomal Dominant; POLYCYSTIC KIDNEY DISEASE, ADULT, TYPE II; POLYCYSTIC KIDNEY DISEASE 2 WITH OR WITHOUT POLYCYSTIC LIVER DISEASE. Identifiers: MedGen C2751306, MONDO:0013131, OMIM 613095.

Allele frequency attached by ClinVar (database versions not stated): gnomAD 0.00001.

Submissions (11):

Medical and Scientific Branch, Hong Kong Genome Institute
Classification: Pathogenic for Polycystic kidney disease 2. Last evaluated: 2026-01-26. Review status: criteria provided, single submitter. Criteria: ACMG Guidelines, 2015. Collection method: clinical testing. Allele origin: unknown. Affected: yes.

PreventionGenetics, part of Exact Sciences
Classification: Pathogenic for PKD2-related condition. Last evaluated: 2025-12-18. Review status: criteria provided, single submitter. Criteria: ACMG Guidelines, 2015. Collection method: clinical testing. Allele origin: germline.
Comment: The PKD2 c.2419C>T variant is predicted to result in premature protein termination (p.Arg807*). This variant has been reported in individuals with autosomal dominant polycystic kidney disease (ADPKD) (see for example, Viribay et al. 1997. PubMed ID: 9402976; Paavola et al. 2013. PubMed ID: 23376035). This variant has not been reported in a large population database (gnomAD), indicating this variant is rare. Nonsense variants in PKD2 are expected to be pathogenic. This variant is interpreted as pathogenic.

Labcorp Genetics (formerly Invitae), Labcorp
Classification: Pathogenic for Autosomal dominant polycystic kidney disease. Last evaluated: 2025-10-29. Review status: criteria provided, single submitter. Criteria: Invitae Variant Classification Sherloc (09022015). Collection method: clinical testing. Allele origin: germline.
Comment: This sequence change creates a premature translational stop signal (p.Arg807*) in the PKD2 gene. It is expected to result in an absent or disrupted protein product. Loss-of-function variants in PKD2 are known to be pathogenic (PMID: 17582161, 22863349). This variant is not present in population databases (gnomAD no frequency). This premature translational stop signal has been observed in individual(s) with autosomal dominant polycystic kidney disease (PMID: 9402976, 30816285). ClinVar contains an entry for this variant (Variation ID: 805200). For these reasons, this variant has been classified as Pathogenic.

Women's Health and Genetics/Laboratory Corporation of America, LabCorp
Classification: Pathogenic for Polycystic kidney disease 2. Last evaluated: 2025-09-16. Review status: criteria provided, single submitter. Criteria: LabCorp Variant Classification Summary - May 2015. Collection method: clinical testing. Allele origin: germline.
Comment: Variant summary: PKD2 c.2419C>T (p.Arg807X) results in a premature termination codon, predicted to cause a truncation of the encoded protein or absence of the protein due to nonsense mediated decay, which are commonly known mechanisms for disease. The variant was absent in 251096 control chromosomes. c.2419C>T has been observed in individual(s) affected with Polycystic Kidney Disease 2 (example: Viribay_1997). These data indicate that the variant is likely to be associated with disease. The following publication has been ascertained in the context of this evaluation (PMID: 9402976). ClinVar contains an entry for this variant (Variation ID: 805200). Based on the evidence outlined above, the variant was classified as pathogenic.

Centre for Clinical Genetics and Genomic Diagnostics, Zealand University Hospital
Classification: Pathogenic. Last evaluated: 2025-08-14. Review status: criteria provided, single submitter. Criteria: ACMG Guidelines, 2015. Collection method: clinical testing. Allele origin: germline. Affected: yes.

GeneDx
Classification: Pathogenic. Last evaluated: 2024-09-20. Review status: criteria provided, single submitter. Criteria: GeneDx Variant Classification Process June 2021. Collection method: clinical testing. Allele origin: germline. Affected: yes.
Comment: Nonsense variant predicted to result in protein truncation or nonsense mediated decay in a gene for which loss of function is a known mechanism of disease; Not observed at significant frequency in large population cohorts (gnomAD); This variant is associated with the following publications: (PMID: 25525159, 9402976, 17582161, 34101167, 33532864, 36938073, 37372416, 21115670, 23376035, 30816285, 22508176)

Blueprint Genetics
Classification: Pathogenic for PKD2-related disorders. Last evaluated: 2024-09-03. Review status: criteria provided, single submitter. Criteria: ACMG Guidelines, 2015. Collection method: clinical testing. Allele origin: germline. Affected: yes. Observed: 3 variant alleles.

Fulgent Genetics
Classification: Pathogenic for Polycystic kidney disease 2. Last evaluated: 2024-04-20. Review status: criteria provided, single submitter. Criteria: ACMG Guidelines, 2015. Collection method: clinical testing. Allele origin: germline.

Ambry Genetics
Classification: Pathogenic for Inborn genetic diseases. Last evaluated: 2022-06-15. Review status: criteria provided, single submitter. Criteria: Ambry Variant Classification Scheme 2023. Collection method: clinical testing. Allele origin: germline.
Comment: The c.2419C>T (p.R807*) alteration, located in exon 13 (coding exon 13) of the PKD2 gene, consists of a C to T substitution at nucleotide position 2419. This changes the amino acid from an arginine (R) to a stop codon at amino acid position 807. This alteration is expected to result in loss of function by premature protein truncation or nonsense-mediated mRNA decay. This variant was not reported in population-based cohorts in the Genome Aggregation Database (gnomAD). Based on the available evidence, this alteration is classified as pathogenic.

Molecular Biology Laboratory, Fundació Puigvert
Classification: Pathogenic for Polycystic kidney disease 2. Last evaluated: 2020-02-01. Review status: criteria provided, single submitter. Criteria: ACMG Guidelines, 2015. Collection method: research. Allele origin: paternal. Affected: yes. Study: KidneyPanel_2020.

Athena Diagnostics
Classification: Pathogenic. Last evaluated: 2018-10-16. Review status: criteria provided, single submitter. Criteria: Athena Diagnostics Criteria. Collection method: clinical testing. Allele origin: germline.
Comment: The variant creates a premature nonsense codon, and is therefore predicted to significantly disrupt the protein structure. Found in at least one symptomatic patient, and not found in general population data.

Literature cited by the submitters: PubMed 17582161 (cited by Labcorp Genetics (formerly Invitae), Labcorp); PubMed 22863349 (cited by Labcorp Genetics (formerly Invitae), Labcorp); PubMed 9402976 (cited by 4 submitters); PubMed 30816285 (cited by Labcorp Genetics (formerly Invitae), Labcorp); PubMed 33532864 (cited by Molecular Biology Laboratory, Fundació Puigvert); PubMed 10760080 (cited by Athena Diagnostics); PubMed 10411676 (cited by Athena Diagnostics).